The following is an entry in ClinVar:

ClinVar aggregate classification (germline): Benign (1 of 4 stars; one submission).

Conditions:
Autosomal dominant nocturnal frontal lobe epilepsy 4. Also called: EPILEPSY, FAMILIAL, WITH NOCTURNAL WANDERING AND ICTAL FEAR; CHRNA2-Related Nocturnal Frontal Lobe Epilepsy, Autosomal Dominant. Identifiers: Orphanet 98784, MedGen C1835905, MONDO:0012474, OMIM 610353.

Allele frequency attached by ClinVar (database versions not stated): gnomAD 0.00467 and 0.00497; TOPMed 0.00866; 1000 Genomes Project 0.00958; gnomAD exomes 0.01087; 1000 Genomes Project 30x 0.01109.
gnomAD v4.1: 757 of 152,350 alleles (0.5%); highest among the groups gnomAD compares: Admixed American, 4.2%; 24 homozygotes.

Submission:

Illumina Laboratory Services, Illumina
Classification: Benign for Autosomal dominant nocturnal frontal lobe epilepsy 4. Last evaluated: 2018-01-13. Review status: criteria provided, single submitter. Criteria: ICSL Variant Classification Criteria 13 December 2019. Collection method: clinical testing. Allele origin: germline.
Comment: This variant was observed in the ICSL laboratory as part of a predisposition screen in an ostensibly healthy population. It had not been previously curated by ICSL or reported in the Human Gene Mutation Database (HGMD: prior to June 1st, 2018), and was therefore a candidate for classification through an automated scoring system. Utilizing variant allele frequency, disease prevalence and penetrance estimates, and inheritance mode, an automated score was calculated to assess if this variant is too frequent to cause the disease. Based on the score and internal cut-off values, a variant classified as benign is not then subjected to further curation. The score for this variant resulted in a classification of benign for this disease.

NM_000742.4(CHRNA2):c.*1006G>A

Gene: CHRNA2 (cholinergic receptor nicotinic alpha 2 subunit; minus strand). Cytogenetic location: 8p21.2.
Variant type: single nucleotide variant.
Coding change: c.*1006G>A on transcript NM_000742.4 (MANE Select); 1006 bases downstream of the stop codon, G replaced by A.
Molecular consequence: 3 prime UTR variant.
Genome position (GRCh38, 1-based): chr8:27,460,623, C>T on the plus strand (G>A on the coding strand, the complement: CHRNA2 is on the minus strand). VCF-style: chr8-27460623-C-T. GRCh37 (hg19) VCF-style: chr8-27318140-C-T.
Other names: c.*1006G>A (NM_001282455.2, NM_001347705.2, NM_001347706.2 and 2 more transcripts).
Identifiers: ClinVar variation 362676 (VCV000362676.5), dbSNP rs145560154, ClinGen allele CA10625270.